The following is an entry in ClinVar:

ClinVar aggregate classification (germline): Likely benign (1 of 4 stars; one submission).

Allele frequency attached by ClinVar (database versions not stated): gnomAD 0.00943 and 0.00961; TOPMed 0.00963; 1000 Genomes Project 0.00120; 1000 Genomes Project 30x 0.00484.

Submission:

GeneDx
Classification: Likely benign. Last evaluated: 2018-06-14. Review status: criteria provided, single submitter. Criteria: GeneDx Variant Classification (06012015). Collection method: clinical testing. Allele origin: germline. Affected: yes.
Comment: This variant is considered likely benign or benign based on one or more of the following criteria: it is a conservative change, it occurs at a poorly conserved position in the protein, it is predicted to be benign by multiple in silico algorithms, and/or has population frequency not consistent with disease.

NM_003383.3(VLDLR):c.-626G>A

Genes: VLDLR (very low density lipoprotein receptor; plus strand), VLDLR-AS1 (VLDLR antisense RNA 1; minus strand), LOC121740738 (Sharpr-MPRA regulatory region 6053; plus strand). Cytogenetic location: 9p24.2.
Variant type: single nucleotide variant.
Coding change: c.-626G>A on transcript NM_003383.3; 626 bases upstream of the start codon, G replaced by A.
Genome position (GRCh38, 1-based): chr9:2,621,564, G>A. VCF-style: chr9-2621564-G-A. GRCh37 (hg19) VCF-style: chr9-2621564-G-A.
Identifiers: ClinVar variation 673304 (VCV000673304.3), dbSNP rs142199771, ClinGen allele CA13005677.